The following is an entry in ClinVar:

ClinVar aggregate classification (germline): Uncertain significance (1 of 4 stars; one submission).

Allele frequency attached by ClinVar (database versions not stated): gnomAD exomes below 0.00001; gnomAD 0.00001; TOPMed 0.00004.

Submission:

Labcorp Genetics (formerly Invitae), Labcorp
Classification: Uncertain significance. Last evaluated: 2024-04-05. Review status: criteria provided, single submitter. Criteria: Invitae Variant Classification Sherloc (09022015). Collection method: clinical testing. Allele origin: germline.
Comment: This sequence change replaces threonine, which is neutral and polar, with isoleucine, which is neutral and non-polar, at codon 920 of the DUOX2 protein (p.Thr920Ile). This variant is present in population databases (no rsID available, gnomAD 0.003%). This missense change has been observed in individual(s) with congenital hypothyroidism (PMID: 35507000). ClinVar contains an entry for this variant (Variation ID: 2413619). Advanced modeling of protein sequence and biophysical properties (such as structural, functional, and spatial information, amino acid conservation, physicochemical variation, residue mobility, and thermodynamic stability) performed at Invitae indicates that this missense variant is expected to disrupt DUOX2 protein function with a positive predictive value of 80%. In summary, the available evidence is currently insufficient to determine the role of this variant in disease. Therefore, it has been classified as a Variant of Uncertain Significance.

Literature cited by the submitters: PubMed 35507000.

NM_001363711.2(DUOX2):c.2759C>T (p.Thr920Ile)

Gene: DUOX2 (dual oxidase 2; minus strand). Cytogenetic location: 15q21.1.
Variant type: single nucleotide variant.
Coding change: c.2759C>T on transcript NM_001363711.2 (MANE Select); coding-DNA position 2759, C replaced by T.
Protein change: p.Thr920Ile; replaces threonine 920 with isoleucine.
Molecular consequence: missense variant.
Genome position (GRCh38, 1-based): chr15:45,101,885, G>A on the plus strand (C>T on the coding strand, the complement: DUOX2 is on the minus strand). VCF-style: chr15-45101885-G-A. GRCh37 (hg19) VCF-style: chr15-45394083-G-A.
Other names: c.2759C>T, p.Thr920Ile (NM_014080.5); short protein forms T920I.
Identifiers: ClinVar variation 2413619 (VCV002413619.5), dbSNP rs1401530068, ClinGen allele CA392266992.
Genomic context (GRCh38, chr15:45,101,885, plus strand): 5'-AGCTGCGTGAAGCGGAGCTCGCTGTCATGGTCCCGCAGCATGAAGTGAAAATCCTCCCAT[G>A]TCAGCTCCTCCTTGTCCTGGAATCCCGACTCCCGGAACATAGACTCCACCACCTCGGCCA-3'
Protein context (NP_001350640.1, residues 910-930): ESGFQDKEEL[Thr920Ile]WEDFHFMLRD